The following is an entry in ClinVar:

ClinVar aggregate classification (germline): Benign/Likely benign. Review status: criteria provided, multiple submitters, no conflicts (2 of 4 stars). 7 submissions from 7 submitters: Benign (2); Likely benign (2). 3 of the submissions do not count toward it. Last evaluated 2026-09-01.

Allele frequency attached by ClinVar (database versions not stated): 1000 Genomes Project 30x 0.00109; 1000 Genomes Project 0.00120; gnomAD 0.00265 and 0.00270; ExAC 0.00266; TOPMed 0.00269; gnomAD exomes 0.00274 and 0.00450; ESP Exome Variant Server 0.00377.
gnomAD v4.1: 6,924 of 1,613,582 alleles (0.43%); highest among the groups gnomAD compares: Non-Finnish European, 0.54%; 23 homozygotes.

Submissions (7):

CeGaT Center for Human Genetics Tuebingen
Classification: Likely benign. Last evaluated: 2026-09-01. Review status: criteria provided, single submitter. Criteria: CeGaT Center For Human Genetics Tuebingen Variant Classification Criteria Version 2. Collection method: clinical testing. Allele origin: germline. Affected: yes. Observed: 14 variant alleles.
Comment: SLC9A1: BP4, BP7, BS2

Labcorp Genetics (formerly Invitae), Labcorp
Classification: Benign. Last evaluated: 2025-11-10. Review status: criteria provided, single submitter. Criteria: Invitae Variant Classification Sherloc (09022015). Collection method: clinical testing. Allele origin: germline.

Mayo Clinic Laboratories, Mayo Clinic
Classification: Benign. Last evaluated: 2025-06-23. Review status: criteria provided, single submitter. Criteria: ACMG Guidelines, 2015. Collection method: clinical testing. Allele origin: germline. Observed: 7 variant alleles.
Comment: BS1, BS2, BP4, BP7

Blueprint Genetics
Classification: Likely benign. Last evaluated: 2024-10-24. Review status: criteria provided, single submitter. Criteria: ACMG Guidelines, 2015. Collection method: clinical testing. Allele origin: germline.

Clinical Genetics DNA and cytogenetics Diagnostics Lab, Erasmus MC, Erasmus Medical Center
Classification: Likely benign. Review status: no assertion criteria provided. Collection method: clinical testing. Allele origin: germline. Affected: yes. Study: VKGL Data-share Consensus. Not counted in ClinVar's aggregate classification.

Diagnostic Laboratory, Department of Genetics, University Medical Center Groningen
Classification: Likely benign. Review status: no assertion criteria provided. Collection method: clinical testing. Allele origin: germline. Affected: yes. Study: VKGL Data-share Consensus. Not counted in ClinVar's aggregate classification.

Genome Diagnostics Laboratory, University Medical Center Utrecht
Classification: Likely benign. Review status: no assertion criteria provided. Collection method: clinical testing. Allele origin: germline. Affected: yes. Study: VKGL Data-share Consensus. Not counted in ClinVar's aggregate classification.

Literature cited by the submitters: PubMed 25205112 (cited by Mayo Clinic Laboratories, Mayo Clinic).

NM_003047.5(SLC9A1):c.1356C>T (p.Ile452=)

Genes: SLC9A1 (solute carrier family 9 member A1; minus strand), LOC126805673 (MED14-independent group 3 enhancer GRCh37_chr1:27431568-27432767; plus strand). Cytogenetic location: 1p36.11.
Variant type: single nucleotide variant.
Coding change: c.1356C>T on transcript NM_003047.5 (MANE Select); coding-DNA position 1356, C replaced by T.
Protein change: p.Ile452=; no amino-acid change (isoleucine 452 retained).
Molecular consequence: synonymous variant. On other transcripts: non-coding transcript variant (1).
Genome position (GRCh38, 1-based): chr1:27,106,014, G>A on the plus strand (C>T on the coding strand, the complement: SLC9A1 is on the minus strand). VCF-style: chr1-27106014-G-A. GRCh37 (hg19) VCF-style: chr1-27432505-G-A.
Other names: p.Ile452=.
Identifiers: ClinVar variation 782731 (VCV000782731.40), dbSNP rs35607809, ClinGen allele CA711123.